The following is an entry in ClinVar:

ClinVar aggregate classification (germline): Uncertain significance (1 of 4 stars; one submission).

Submission:

GeneDx
Classification: Uncertain significance. Last evaluated: 2025-05-30. Review status: criteria provided, single submitter. Criteria: GeneDx Variant Classification Process June 2021. Collection method: clinical testing. Allele origin: germline. Affected: yes.
Comment: Not observed at significant frequency in large population cohorts (gnomAD); In silico analysis suggests that this missense variant does not alter protein structure/function; Has not been previously published as pathogenic or benign to our knowledge

NM_014141.6(CNTNAP2):c.3881A>G (p.His1294Arg)

Gene: CNTNAP2 (contactin associated protein 2; plus strand). Cytogenetic location: 7q36.1.
Variant type: single nucleotide variant.
Coding change: c.3881A>G on transcript NM_014141.6 (MANE Select); coding-DNA position 3881, A replaced by G.
Protein change: p.His1294Arg; replaces histidine 1294 with arginine.
Molecular consequence: missense variant.
Genome position (GRCh38, 1-based): chr7:148,415,501, A>G. VCF-style: chr7-148415501-A-G. GRCh37 (hg19) VCF-style: chr7-148112593-A-G.
Other names: short protein forms H1294R.
Identifiers: ClinVar variation 4532747 (VCV004532747.1).